The following is an entry in ClinVar:

ClinVar aggregate classification (germline): Uncertain significance (1 of 4 stars; one submission).

Conditions:
Primary ciliary dyskinesia 6. Also called: Primary Ciliary Dyskinesia 6: TXNDC3-Related Primary Ciliary Dyskinesia. Identifiers: Orphanet 244, MedGen C1970506, MONDO:0012571, OMIM 610852.

gnomAD v4.1: 50 of 1,613,000 alleles (0.0031%); highest among the groups gnomAD compares: Non-Finnish European, 0.0036%; no homozygotes.

Submission:

Labcorp Genetics (formerly Invitae), Labcorp
Classification: Uncertain significance for Primary ciliary dyskinesia 6. Last evaluated: 2025-02-09. Review status: criteria provided, single submitter. Criteria: Invitae Variant Classification Sherloc (09022015). Collection method: clinical testing. Allele origin: germline.
Comment: This sequence change replaces glycine, which is neutral and non-polar, with glutamic acid, which is acidic and polar, at codon 477 of the NME8 protein (p.Gly477Glu). This variant is present in population databases (rs767197340, gnomAD 0.02%). This variant has not been reported in the literature in individuals affected with NME8-related conditions. Invitae Evidence Modeling of protein sequence and biophysical properties (such as structural, functional, and spatial information, amino acid conservation, physicochemical variation, residue mobility, and thermodynamic stability) has been performed for this missense variant. However, the output from this modeling did not meet the statistical confidence thresholds required to predict the impact of this variant on NME8 protein function. In summary, the available evidence is currently insufficient to determine the role of this variant in disease. Therefore, it has been classified as a Variant of Uncertain Significance.

NM_016616.5(NME8):c.1430G>A (p.Gly477Glu)

Gene: NME8 (NME/NM23 family member 8; plus strand). Cytogenetic location: 7p14.1.
Variant type: single nucleotide variant.
Coding change: c.1430G>A on transcript NM_016616.5 (MANE Select); coding-DNA position 1430, G replaced by A.
Protein change: p.Gly477Glu; replaces glycine 477 with glutamic acid.
Molecular consequence: missense variant.
Genome position (GRCh38, 1-based): chr7:37,894,496, G>A. VCF-style: chr7-37894496-G-A. GRCh37 (hg19) VCF-style: chr7-37934098-G-A.
Other names: short protein forms G477E.
Identifiers: ClinVar variation 4751380 (VCV004751380.1).
Genomic context (GRCh38, chr7:37,894,496, plus strand): 5'-GCAATATTATCAAATATTTGTTTTTCTTAGAGCAGATCCTGAAGATAGTTAAGGAGGCTG[G>A]ATTTGATCTGACACAGGTGAAGAAAATGTTCCTAACTCCTGAGCAAATAGAGAAAATTTA-3'
Protein context (NP_057700.3, residues 467-487): EQILKIVKEA[Gly477Glu]FDLTQVKKMF